The following is an entry in ClinVar:

ClinVar aggregate classification (germline): Conflicting classifications of pathogenicity. Review status: criteria provided, conflicting classifications (1 of 4 stars). 6 submissions from 6 submitters: Uncertain significance (1); Benign (1); Likely benign (2). 2 of the submissions do not count toward it. Last evaluated 2026-01-26.

Conditions:
AGXT-related disorder. Also called: AGXT-related condition.
Inborn genetic diseases. Identifiers: MedGen C0950123, MeSH D030342.
Primary hyperoxaluria, type I (HP1). Also called: GLYCOLIC ACIDURIA; HEPATIC AGT DEFICIENCY; Primary hyperoxaluria type 1; OXALOSIS I. Identifiers: Orphanet 416, Orphanet 93598, MedGen C0268164, MONDO:0009823, OMIM 259900. Disease mechanism: loss of function.

Allele frequency attached by ClinVar (database versions not stated): gnomAD exomes 0.00033; ExAC 0.00037; ESP Exome Variant Server 0.00054; 1000 Genomes Project 0.00060; 1000 Genomes Project 30x 0.00078; gnomAD 0.00093 and 0.00095; TOPMed 0.00096.
gnomAD v4.1: 306 of 1,613,380 alleles (0.019%); highest among the groups gnomAD compares: African/African-American, 0.27%; 4 homozygotes.

Submissions (6):

Labcorp Genetics (formerly Invitae), Labcorp
Classification: Benign. Last evaluated: 2026-01-26. Review status: criteria provided, single submitter. Criteria: Invitae Variant Classification Sherloc (09022015). Collection method: clinical testing. Allele origin: germline.

Blueprint Genetics
Classification: Likely benign. Last evaluated: 2023-11-01. Review status: criteria provided, single submitter. Criteria: ACMG Guidelines, 2015. Collection method: clinical testing. Allele origin: germline.

Fulgent Genetics
Classification: Likely benign for Primary hyperoxaluria, type I. Last evaluated: 2021-07-02. Review status: criteria provided, single submitter. Criteria: ACMG Guidelines, 2015. Collection method: clinical testing. Allele origin: unknown.

Ambry Genetics
Classification: Uncertain significance for Inborn genetic diseases. Last evaluated: 2021-06-23. Review status: criteria provided, single submitter. Criteria: Ambry Variant Classification Scheme 2023. Collection method: clinical testing. Allele origin: germline.

PreventionGenetics, part of Exact Sciences
Classification: Likely benign for AGXT-related condition. Last evaluated: 2024-03-28. Review status: no assertion criteria provided. Collection method: clinical testing. Allele origin: germline. Not counted in ClinVar's aggregate classification.
Comment: This variant is classified as likely benign based on ACMG/AMP sequence variant interpretation guidelines (Richards et al. 2015 PMID: 25741868, with internal and published modifications).

Natera, Inc.
Classification: Benign for Primary hyperoxaluria type I. Last evaluated: 2020-05-02. Review status: no assertion criteria provided. Collection method: clinical testing. Allele origin: germline. Not counted in ClinVar's aggregate classification.

NM_000030.3(AGXT):c.1023C>A (p.Asp341Glu)

Gene: AGXT (alanine--glyoxylate aminotransferase; plus strand). Cytogenetic location: 2q37.3.
Variant type: single nucleotide variant.
Coding change: c.1023C>A on transcript NM_000030.3 (MANE Select); coding-DNA position 1023, C replaced by A.
Protein change: p.Asp341Glu; replaces aspartic acid 341 with glutamic acid.
Molecular consequence: missense variant.
Genome position (GRCh38, 1-based): chr2:240,878,102, C>A. VCF-style: chr2-240878102-C-A. GRCh37 (hg19) VCF-style: chr2-241817519-C-A.
Other names: short protein forms D341E.
Identifiers: ClinVar variation 711546 (VCV000711546.16), dbSNP rs144007007, ClinGen allele CA2209378.